The following is an entry in ClinVar:

ClinVar aggregate classification (germline): Uncertain significance (1 of 4 stars; one submission).

Submission:

Ambry Genetics
Classification: Uncertain significance. Last evaluated: 2025-05-09. Review status: criteria provided, single submitter. Criteria: Ambry Variant Classification Scheme 2023. Collection method: clinical testing. Allele origin: germline.
Comment: The p.L404P variant (also known as c.1211T>C), located in coding exon 4 of the EGLN1 gene, results from a T to C substitution at nucleotide position 1211. The leucine at codon 404 is replaced by proline, an amino acid with similar properties. This amino acid position is conserved. In addition, the in silico prediction for this alteration is inconclusive. Based on the available evidence, the clinical significance of this variant remains unclear.

NM_022051.3(EGLN1):c.1211T>C (p.Leu404Pro)

Gene: EGLN1 (egl-9 family hypoxia inducible factor 1; minus strand). Cytogenetic location: 1q42.2.
Variant type: single nucleotide variant.
Coding change: c.1211T>C on transcript NM_022051.3 (MANE Select); coding-DNA position 1211, T replaced by C.
Protein change: p.Leu404Pro; replaces leucine 404 with proline.
Molecular consequence: missense variant. On other transcripts: 3 prime UTR variant (1), intron variant (1).
Genome position (GRCh38, 1-based): chr1:231,367,574, A>G on the plus strand (T>C on the coding strand, the complement: EGLN1 is on the minus strand). VCF-style: chr1-231367574-A-G. GRCh37 (hg19) VCF-style: chr1-231503320-A-G.
Other names: c.*36T>C (NM_001377261.1); c.1149-1099T>C (NM_001377260.1); short protein forms L404P.
Identifiers: ClinVar variation 4016824 (VCV004016824.1).